The following is an entry in ClinVar:

NM_000038.6(APC):c.254del (p.Val85fs)

Gene: APC (APC regulator of Wnt signaling pathway; plus strand). Cytogenetic location: 5q22.2.
Variant type: Deletion.
Coding change: c.254del on transcript NM_000038.6 (MANE Select); coding-DNA position 254, one base deleted (T; older notation c.254delT).
Protein change: p.Val85fs; shifts the reading frame from valine 85.
Molecular consequence: frameshift variant. On other transcripts: 5 prime UTR variant (1).
Genome position (GRCh38, 1-based): chr5:112,767,222, T deleted. VCF-style (leftmost placement, unchanged base first): chr5-112767221-GT-G. GRCh37 (hg19) VCF-style: chr5-112102918-GT-G.
Other names: c.254del, p.Val85fs (NM_001127510.3, NM_001354895.2, NM_001354896.2 and 2 more transcripts); c.284del, p.Val95fs (NM_001127511.3, NM_001354897.2, NM_001354902.2); c.179del, p.Val60fs (NM_001354898.2, NM_001354904.2); c.77del, p.Val26fs (NM_001354900.2, NM_001354901.2, NM_001354905.2); c.-782del (NM_001354906.2); short protein forms V95fs, V26fs, V85fs, V60fs.
Identifiers: ClinVar variation 1458688 (VCV001458688.7), dbSNP rs2149787843, ClinGen allele CA2573138612.

ClinVar aggregate classification (germline): Pathogenic. Review status: criteria provided, multiple submitters, no conflicts (2 of 4 stars). 2 submissions from 2 submitters: Pathogenic (2). Last evaluated 2023-04-25.

Conditions:
Familial adenomatous polyposis 1 (FAP1). Also called: POLYPOSIS, ADENOMATOUS INTESTINAL; FAMILIAL ADENOMATOUS POLYPOSIS 1, ATTENUATED. Identifiers: MedGen C2713442, MONDO:0021056, OMIM 175100. Disease mechanism: loss of function.

Submissions (2):

Myriad Genetics, Inc.
Classification: Pathogenic for Familial adenomatous polyposis 1. Last evaluated: 2023-04-25. Review status: criteria provided, single submitter. Criteria: Myriad Autosomal Dominant, Autosomal Recessive and X-Linked Classification Criteria (2023). Collection method: clinical testing. Allele origin: unknown.
Comment: This variant is considered pathogenic. This variant creates a frameshift predicted to result in premature protein truncation.

Labcorp Genetics (formerly Invitae), Labcorp
Classification: Pathogenic for Familial adenomatous polyposis 1. Last evaluated: 2021-04-05. Review status: criteria provided, single submitter. Criteria: Invitae Variant Classification Sherloc (09022015). Collection method: clinical testing. Allele origin: germline.
Comment: This variant is not present in population databases (ExAC no frequency). This sequence change creates a premature translational stop signal (p.Val85Glufs*40) in the APC gene. It is expected to result in an absent or disrupted protein product. Loss-of-function variants in APC are known to be pathogenic (PMID: 17963004, 20685668). This variant has not been reported in the literature in individuals with APC-related conditions. For these reasons, this variant has been classified as Pathogenic.

Literature cited by the submitters: PubMed 17963004 (cited by Labcorp Genetics (formerly Invitae), Labcorp); PubMed 20685668 (cited by Labcorp Genetics (formerly Invitae), Labcorp).